The following is an entry in ClinVar:

ClinVar aggregate classification (germline): Benign. Review status: criteria provided, multiple submitters, no conflicts (2 of 4 stars). 4 submissions from 2 submitters: Benign (4). Last evaluated 2018-01-12.

Conditions:
Leber congenital amaurosis 7 (LCA7). Identifiers: Orphanet 65, MedGen C3151192, MONDO:0013449, OMIM 613829.
Retinitis pigmentosa (RP). Identifiers: Orphanet 791, MedGen C0035334, MeSH D012174, MONDO:0019200, OMIM 268000. Inheritance: Autosomal dominant, autosomal recessive and X linked inheritance.
Cone-rod dystrophy 2 (CORD2). Also called: CONE-ROD RETINAL DYSTROPHY; Cone-rod retinal dystrophy 2. Identifiers: Orphanet 1872, MedGen C3489532, MONDO:0007362, OMIM 120970.

Allele frequency attached by ClinVar (database versions not stated): gnomAD exomes 0.33482; TOPMed 0.35023; gnomAD 0.35136 and 0.35558; 1000 Genomes Project 0.27756; 1000 Genomes Project 30x 0.28295.
gnomAD v4.1: 53,526 of 152,120 alleles (35%); highest among the groups gnomAD compares: Non-Finnish European, 40%; 9,752 homozygotes.

Submissions (4):

Illumina Laboratory Services, Illumina
Classification: Benign for Retinitis pigmentosa. Last evaluated: 2018-01-12. Review status: criteria provided, single submitter. Criteria: ICSL Variant Classification Criteria 13 December 2019. Collection method: clinical testing. Allele origin: germline.
Comment: This variant was observed in the ICSL laboratory as part of a predisposition screen in an ostensibly healthy population. It had not been previously curated by ICSL or reported in the Human Gene Mutation Database (HGMD: prior to June 1st, 2018), and was therefore a candidate for classification through an automated scoring system. Utilizing variant allele frequency, disease prevalence and penetrance estimates, and inheritance mode, an automated score was calculated to assess if this variant is too frequent to cause the disease. Based on the score and internal cut-off values, a variant classified as benign is not then subjected to further curation. The score for this variant resulted in a classification of benign for this disease.

Illumina Laboratory Services, Illumina
Classification: Benign for Cone-rod dystrophy 2. Last evaluated: 2018-01-12. Review status: criteria provided, single submitter. Criteria: ICSL Variant Classification Criteria 13 December 2019. Collection method: clinical testing. Allele origin: germline.
Comment: the same text as in the submission from Illumina Laboratory Services, Illumina above.

Illumina Laboratory Services, Illumina
Classification: Benign for Leber congenital amaurosis 7. Last evaluated: 2018-01-12. Review status: criteria provided, single submitter. Criteria: ICSL Variant Classification Criteria 13 December 2019. Collection method: clinical testing. Allele origin: germline.
Comment: the same text as in the submission from Illumina Laboratory Services, Illumina above.

Breakthrough Genomics
Classification: Benign. Review status: criteria provided, single submitter. Criteria: ACMG Guidelines, 2015. Collection method: not provided. Allele origin: germline. Inheritance: Autosomal dominant inheritance. Affected: yes.

NM_000554.6(CRX):c.*2106C>T

Gene: CRX (cone-rod homeobox; plus strand). Cytogenetic location: 19q13.33.
Variant type: single nucleotide variant.
Coding change: c.*2106C>T on transcript NM_000554.6 (MANE Select); 2106 bases downstream of the stop codon, C replaced by T.
Molecular consequence: 3 prime UTR variant.
Genome position (GRCh38, 1-based): chr19:47,842,073, C>T. VCF-style: chr19-47842073-C-T. GRCh37 (hg19) VCF-style: chr19-48345330-C-T.
Identifiers: ClinVar variation 329753 (VCV000329753.6), dbSNP rs12982537, ClinGen allele CA10652167.
Genomic context (GRCh38, chr19:47,842,073, plus strand): 5'-CACTGAACTAAGAGTTGGGAAGAGATAGGGCACAATATATGCTTACGAGTTGGTACACAC[C>T]GTCAGCAGCAGCCAGGGTCAGGAGAAAGGCGAGATGTGAAGAGAGGCCGGGAGGTATCAG-3'